The following is an entry in ClinVar:

ClinVar aggregate classification (germline): Uncertain significance (1 of 4 stars; one submission).

Conditions:
Inborn genetic diseases. Identifiers: MedGen C0950123, MeSH D030342.

Allele frequency attached by ClinVar (database versions not stated): gnomAD exomes below 0.00001.
gnomAD v4.1: 5 of 1,613,676 alleles (0.00031%); highest among the groups gnomAD compares: South Asian, 0.0011%; no homozygotes.

Submission:

Ambry Genetics
Classification: Uncertain significance for Inborn genetic diseases. Last evaluated: 2021-09-26. Review status: criteria provided, single submitter. Criteria: Ambry Variant Classification Scheme 2023. Collection method: clinical testing. Allele origin: germline.
Comment: The p.Y89C variant (also known as c.266A>G), located in coding exon 4 of the BUB1B gene, results from an A to G substitution at nucleotide position 266. The tyrosine at codon 89 is replaced by cysteine, an amino acid with highly dissimilar properties. This amino acid position is conserved. In addition, the in silico prediction for this alteration is inconclusive. Since supporting evidence is limited at this time, the clinical significance of this alteration remains unclear.

NM_001211.6(BUB1B):c.266A>G (p.Tyr89Cys)

Gene: BUB1B (BUB1 mitotic checkpoint serine/threonine kinase B; plus strand). Cytogenetic location: 15q15.1.
Variant type: single nucleotide variant.
Coding change: c.266A>G on transcript NM_001211.6 (MANE Select); coding-DNA position 266, A replaced by G.
Protein change: p.Tyr89Cys; replaces tyrosine 89 with cysteine.
Molecular consequence: missense variant.
Genome position (GRCh38, 1-based): chr15:40,170,563, A>G. VCF-style: chr15-40170563-A-G. GRCh37 (hg19) VCF-style: chr15-40462764-A-G.
Other names: short protein forms Y89C.
Identifiers: ClinVar variation 1794531 (VCV001794531.2), dbSNP rs2037149828, ClinGen allele CA391678963.